The following is an entry in ClinVar:

NM_000878.5(IL2RB):c.950G>T (p.Gly317Val)

Gene: IL2RB (interleukin 2 receptor subunit beta; minus strand). Cytogenetic location: 22q12.3.
Variant type: single nucleotide variant.
Coding change: c.950G>T on transcript NM_000878.5 (MANE Select); coding-DNA position 950, G replaced by T.
Protein change: p.Gly317Val; replaces glycine 317 with valine.
Molecular consequence: missense variant.
Genome position (GRCh38, 1-based): chr22:37,128,802, C>A on the plus strand (G>T on the coding strand, the complement: IL2RB is on the minus strand). VCF-style: chr22-37128802-C-A. GRCh37 (hg19) VCF-style: chr22-37524842-C-A.
Other names: c.950G>T, p.Gly317Val (NM_001346222.1, NM_001346223.2); short protein forms G317V.
Identifiers: ClinVar variation 4768690 (VCV004768690.1).

ClinVar aggregate classification (germline): Uncertain significance (1 of 4 stars; one submission).

gnomAD v4.1: 1 of 1,612,614 alleles (0.000062%); no homozygotes.

Submission:

Labcorp Genetics (formerly Invitae), Labcorp
Classification: Uncertain significance. Last evaluated: 2025-10-31. Review status: criteria provided, single submitter. Criteria: Invitae Variant Classification Sherloc (09022015). Collection method: clinical testing. Allele origin: germline.
Comment: This sequence change replaces glycine, which is neutral and non-polar, with valine, which is neutral and non-polar, at codon 317 of the IL2RB protein (p.Gly317Val). This variant is not present in population databases (gnomAD no frequency). This variant has not been reported in the literature in individuals affected with IL2RB-related conditions. An algorithm developed to predict the effect of missense changes on protein structure and function (PolyPhen-2) suggests that this variant is likely to be tolerated. In summary, the available evidence is currently insufficient to determine the role of this variant in disease. Therefore, it has been classified as a Variant of Uncertain Significance.